The following is an entry in ClinVar:

NM_001375524.1(TRRAP):c.1688G>T (p.Gly563Val)

Gene: TRRAP (transformation/transcription domain associated protein; plus strand). Cytogenetic location: 7q22.1.
Variant type: single nucleotide variant.
Coding change: c.1688G>T on transcript NM_001375524.1 (MANE Select); coding-DNA position 1688, G replaced by T.
Protein change: p.Gly563Val; replaces glycine 563 with valine.
Molecular consequence: missense variant.
Genome position (GRCh38, 1-based): chr7:98,910,393, G>T. VCF-style: chr7-98910393-G-T. GRCh37 (hg19) VCF-style: chr7-98508016-G-T.
Other names: c.1688G>T, p.Gly563Val (NM_001244580.2, NM_003496.4); short protein forms G563V.
Identifiers: ClinVar variation 2505763 (VCV002505763.1), dbSNP rs2484713581, ClinGen allele CA368286957.
Genomic context (GRCh38, chr7:98,910,393, plus strand): 5'-TCACAGACTGTCGAAGTTTGGTCAAAACCTTGGTGTGTGGTGTCAAGACAATCACGTGGG[G>T]CATAACATCATGCAAAGCACCTGGTGGTAATTCTGCTCTTCAGTTATGTAGACAAACAAT-3'
Protein context (NP_001362453.1, residues 553-573): LVCGVKTITW[Gly563Val]ITSCKAPGEA

ClinVar aggregate classification (germline): Uncertain significance (1 of 4 stars; one submission).

Submission:

GeneDx
Classification: Uncertain significance. Last evaluated: 2022-12-14. Review status: criteria provided, single submitter. Criteria: GeneDx Variant Classification Process June 2021. Collection method: clinical testing. Allele origin: germline. Affected: yes.
Comment: Not observed at significant frequency in large population cohorts (gnomAD); In silico analysis supports that this missense variant has a deleterious effect on protein structure/function; In silico analysis suggests this variant may impact gene splicing. In the absence of RNA/functional studies, the actual effect of this sequence change is unknown.; Has not been previously published as pathogenic or benign to our knowledge